The following is an entry in ClinVar:

NM_000393.5(COL5A2):c.645+1G>A

Gene: COL5A2 (collagen type V alpha 2 chain; minus strand). Cytogenetic location: 2q32.2.
Variant type: single nucleotide variant.
Coding change: c.645+1G>A on transcript NM_000393.5 (MANE Select); the canonical splice donor site of the intron after coding-DNA position 645, G replaced by A.
Molecular consequence: splice donor variant.
Genome position (GRCh38, 1-based): chr2:189,088,694, C>T on the plus strand (G>A on the coding strand, the complement: COL5A2 is on the minus strand). VCF-style: chr2-189088694-C-T. GRCh37 (hg19) VCF-style: chr2-189953420-C-T.
Identifiers: ClinVar variation 4891385 (VCV004891385.1).

ClinVar aggregate classification (germline): Uncertain significance (1 of 4 stars; one submission).

gnomAD v4.1: 19 of 1,612,480 alleles (0.0012%); highest among the groups gnomAD compares: East Asian, 0.042%; no homozygotes.

Submission:

GeneDx
Classification: Uncertain significance. Last evaluated: 2026-03-11. Review status: criteria provided, single submitter. Criteria: GeneDx Variant Classification Process June 2021. Collection method: clinical testing. Allele origin: germline.
Comment: Not observed at significant frequency in large population cohorts (gnomAD); Canonical splice site variant with an unclear effect on protein function; Damages or destroys the splice donor site in intron 8, and is expected to cause abnormal gene splicing; if the splice outcome is exon skip, the loss of the encoded residues in the triple helical region is expected to disrupt normal protein folding and function (PMID: 22696272; HGMD); Has not been previously published as pathogenic or benign to our knowledge; This variant is associated with the following publications: (PMID: 22696272)